The following is an entry in ClinVar:

ClinVar aggregate classification (germline): Likely benign. Review status: criteria provided, multiple submitters, no conflicts (2 of 4 stars). 2 submissions from 2 submitters: Likely benign (2). Last evaluated 2024-01-31.

Allele frequency attached by ClinVar (database versions not stated): gnomAD 0.00004; gnomAD exomes 0.00008 and 0.00007; ExAC 0.00015; TOPMed 0.00004; ESP Exome Variant Server 0.00008.
gnomAD v4.1: 107 of 1,604,340 alleles (0.0067%); highest among the groups gnomAD compares: Non-Finnish European, 0.0084%; no homozygotes.

Submissions (2):

Labcorp Genetics (formerly Invitae), Labcorp
Classification: Likely benign. Last evaluated: 2024-01-31. Review status: criteria provided, single submitter. Criteria: Invitae Variant Classification Sherloc (09022015). Collection method: clinical testing. Allele origin: germline.

Laboratory for Molecular Medicine, Mass General Brigham Personalized Medicine
Classification: Likely benign. Last evaluated: 2012-04-30. Review status: criteria provided, single submitter. Criteria: LMM Criteria. Collection method: clinical testing. Allele origin: germline. Observed: 1 variant allele.
Comment: 177+7G>A in Intron 01 of BSND: This variant is not expected to have clinical sig nificance because it is not located within the conserved splice consensus sequen ce and has been identified in 1/7020 European American chromosomes from a broad population by the NHLBI Exome Sequencing Project (VS).

NM_057176.3(BSND):c.177+7G>A

Gene: BSND (barttin CLCNK type accessory subunit beta; plus strand). Cytogenetic location: 1p32.3.
Variant type: single nucleotide variant.
Coding change: c.177+7G>A on transcript NM_057176.3 (MANE Select); 7 bases into the intron after coding-DNA position 177, G replaced by A.
Molecular consequence: intron variant.
Genome position (GRCh38, 1-based): chr1:54,999,370, G>A. VCF-style: chr1-54999370-G-A. GRCh37 (hg19) VCF-style: chr1-55465043-G-A.
Identifiers: ClinVar variation 46548 (VCV000046548.11), dbSNP rs368723796, ClinGen allele CA138601.